The following is an entry in ClinVar:

ClinVar aggregate classification (germline): Conflicting classifications of pathogenicity. Review status: criteria provided, conflicting classifications (1 of 4 stars). 2 submissions from 2 submitters: Uncertain significance (1); Likely benign (1). Last evaluated 2025-06-17.

Conditions:
Situs inversus. Also called: Situs inversus totalis. Identifiers: Orphanet 101063, MedGen C4551493, MONDO:0010029, HP:0001696.

Allele frequency attached by ClinVar (database versions not stated): ESP Exome Variant Server 0.00023; 1000 Genomes Project 0.00040; 1000 Genomes Project 30x 0.00047; ExAC 0.00057; TOPMed 0.00065; gnomAD exomes 0.00068 and 0.00163; gnomAD 0.00079 and 0.00082.
gnomAD v4.1: 2,456 of 1,614,104 alleles (0.15%); highest among the groups gnomAD compares: Non-Finnish European, 0.2%; 5 homozygotes.

Submissions (2):

Labcorp Genetics (formerly Invitae), Labcorp
Classification: Uncertain significance for Situs inversus. Last evaluated: 2025-06-17. Review status: criteria provided, single submitter. Criteria: Invitae Variant Classification Sherloc (09022015). Collection method: clinical testing. Allele origin: germline.
Comment: This sequence change replaces arginine, which is basic and polar, with glutamine, which is neutral and polar, at codon 369 of the CFAP52 protein (p.Arg369Gln). This variant is present in population databases (rs141646758, gnomAD 0.1%), and has an allele count higher than expected for a pathogenic variant. This variant has not been reported in the literature in individuals affected with CFAP52-related conditions. ClinVar contains an entry for this variant (Variation ID: 1038824). An algorithm developed to predict the effect of missense changes on protein structure and function (PolyPhen-2) suggests that this variant is likely to be disruptive. In summary, the available evidence is currently insufficient to determine the role of this variant in disease. Therefore, it has been classified as a Variant of Uncertain Significance.

CeGaT Center for Human Genetics Tuebingen
Classification: Likely benign. Last evaluated: 2025-02-01. Review status: criteria provided, single submitter. Criteria: CeGaT Center For Human Genetics Tuebingen Variant Classification Criteria Version 2. Collection method: clinical testing. Allele origin: germline. Affected: yes. Observed: 1 variant allele.
Comment: CFAP52: BS2

NM_145054.5(CFAP52):c.1106G>A (p.Arg369Gln)

Gene: CFAP52 (cilia and flagella associated protein 52; plus strand). Cytogenetic location: 17p13.1.
Variant type: single nucleotide variant.
Coding change: c.1106G>A on transcript NM_145054.5 (MANE Select); coding-DNA position 1106, G replaced by A.
Protein change: p.Arg369Gln; replaces arginine 369 with glutamine.
Molecular consequence: missense variant.
Genome position (GRCh38, 1-based): chr17:9,628,752, G>A. VCF-style: chr17-9628752-G-A. GRCh37 (hg19) VCF-style: chr17-9532069-G-A.
Other names: c.902G>A, p.Arg301Gln (NM_001080556.2); short protein forms R301Q, R369Q.
Identifiers: ClinVar variation 1038824 (VCV001038824.22), dbSNP rs141646758, ClinGen allele CA8382115.
Genomic context (GRCh38, chr17:9,628,752, plus strand): 5'-CAACCTGTGCCAAGAAGGATATCAGGGTGTGGCACACATCATCCAACAGGGAGCTGCTGC[G>A]GATCACCGTGCCCAACATGACCTGCCACGGCATCGACTTCATGAGGGACGGCAAAAGCAT-3'
Protein context (NP_659491.4, residues 359-379): WHTSSNRELL[Arg369Gln]ITVPNMTCHG